The following is an entry in ClinVar:

ClinVar aggregate classification (germline): Uncertain significance (1 of 4 stars; one submission).

Conditions:
Inborn genetic diseases. Identifiers: MedGen C0950123, MeSH D030342.

gnomAD v4.1: 1 of 1,614,146 alleles (0.000062%); highest among the groups gnomAD compares: South Asian, 0.0011%; no homozygotes.

Submission:

Ambry Genetics
Classification: Uncertain significance for Inborn genetic diseases. Last evaluated: 2026-05-27. Review status: criteria provided, single submitter. Criteria: Ambry Variant Classification Scheme 2023. Collection method: clinical testing. Allele origin: germline.
Comment: The c.1458C>A (p.D486E) alteration is located in exon 16 (coding exon 15) of the TCF4 gene. This alteration results from a C to A substitution at nucleotide position 1458, causing the aspartic acid (D) at amino acid position 486 to be replaced by a glutamic acid (E). Based on data from gnomAD, the A allele has an overall frequency of <0.001% (1/251438) total alleles studied. The highest observed frequency was 0.003% (1/30616) of South Asian alleles. Based on insufficient or conflicting evidence, the clinical significance of this alteration remains unclear.

NM_001083962.2(TCF4):c.1458C>A (p.Asp486Glu)

Gene: TCF4 (transcription factor 4; minus strand). Cytogenetic location: 18q21.2.
Variant type: single nucleotide variant.
Coding change: c.1458C>A on transcript NM_001083962.2 (MANE Select); coding-DNA position 1458, C replaced by A.
Protein change: p.Asp486Glu; replaces aspartic acid 486 with glutamic acid.
Molecular consequence: missense variant.
Genome position (GRCh38, 1-based): chr18:55,234,576, G>T on the plus strand (C>A on the coding strand, the complement: TCF4 is on the minus strand). VCF-style: chr18-55234576-G-T. GRCh37 (hg19) VCF-style: chr18-52901807-G-T.
Other names: c.1764C>A, p.Asp588Glu (NM_001243226.3); c.1386C>A, p.Asp462Glu (NM_001243227.2, NM_001306207.1, NM_001348217.1 and 5 more transcripts); c.1476C>A, p.Asp492Glu (NM_001243228.2); c.1449C>A, p.Asp483Glu (NM_001243230.2); c.1332C>A, p.Asp444Glu (NM_001243231.2, NM_001348211.2); c.1245C>A, p.Asp415Glu (NM_001243232.1, NM_001306208.1); c.1068C>A, p.Asp356Glu (NM_001243233.2, NM_001330605.3, NM_001348212.2 and 1 more transcripts); c.978C>A, p.Asp326Glu (NM_001243234.2, NM_001243235.2, NM_001243236.2 and 1 more transcripts); and 6 more; short protein forms D270E, D325E, D326E, D356E, D415E, D444E, D461E, D462E.
Identifiers: ClinVar variation 4865387 (VCV004865387.1).
Genomic context (GRCh38, chr18:55,234,576, plus strand): 5'-AGGTCAGAAGTGCCCTGGTGAGGCCAACCTACCTCTGTAAGGGTCCTGGGGTGGGTTCAG[G>T]TCAGGGGAAGTCGCAGACTGGACAGGAAGCTGTGGAACCGGAACCTGGTTTGGCAGAAGA-3'
Protein context (NP_001077431.1, residues 476-496): QLPVQSATSP[Asp486Glu]LNPPQDPYRG